The following is an entry in ClinVar:

NM_006648.4(WNK2):c.5029G>C (p.Val1677Leu)

Gene: WNK2 (WNK lysine deficient protein kinase 2; plus strand). Cytogenetic location: 9q22.31.
Variant type: single nucleotide variant.
Coding change: c.5029G>C on transcript NM_006648.4 (MANE Select); coding-DNA position 5029, G replaced by C.
Protein change: p.Val1677Leu; replaces valine 1677 with leucine.
Molecular consequence: missense variant.
Genome position (GRCh38, 1-based): chr9:93,292,494, G>C. VCF-style: chr9-93292494-G-C. GRCh37 (hg19) VCF-style: chr9-96054776-G-C.
Other names: c.5140G>C, p.Val1714Leu (NM_001282394.3); short protein forms V1677L, V1714L.
Identifiers: ClinVar variation 3981952 (VCV003981952.1).

ClinVar aggregate classification (germline): Uncertain significance (1 of 4 stars; one submission).

Submission:

Ambry Genetics
Classification: Uncertain significance. Last evaluated: 2025-04-28. Review status: criteria provided, single submitter. Criteria: Ambry Variant Classification Scheme 2023. Collection method: clinical testing. Allele origin: germline.
Comment: The p.V1677L variant (also known as c.5029G>C), located in coding exon 22 of the WNK2 gene, results from a G to C substitution at nucleotide position 5029. The valine at codon 1677 is replaced by leucine, an amino acid with highly similar properties. This amino acid position is conserved. In addition, this alteration is predicted to be tolerated by in silico analysis. Based on the available evidence, the clinical significance of this variant remains unclear.